The following is an entry in ClinVar:

NM_178161.3(PTF1A):c.629G>C (p.Gly210Ala)

Gene: PTF1A (pancreas associated transcription factor 1a; plus strand). Cytogenetic location: 10p12.2.
Variant type: single nucleotide variant.
Coding change: c.629G>C on transcript NM_178161.3 (MANE Select); coding-DNA position 629, G replaced by C.
Protein change: p.Gly210Ala; replaces glycine 210 with alanine.
Molecular consequence: missense variant.
Genome position (GRCh38, 1-based): chr10:23,193,159, G>C. VCF-style: chr10-23193159-G-C. GRCh37 (hg19) VCF-style: chr10-23482088-G-C.
Other names: short protein forms G210A.
Identifiers: ClinVar variation 2608217 (VCV002608217.4), dbSNP rs1308863025, ClinGen allele CA376263026.

ClinVar aggregate classification (germline): Uncertain significance. Review status: criteria provided, multiple submitters, no conflicts (2 of 4 stars). 2 submissions from 2 submitters: Uncertain significance (2). Last evaluated 2023-06-29.

Conditions:
Inborn genetic diseases. Identifiers: MedGen C0950123, MeSH D030342.
Permanent neonatal diabetes mellitus-pancreatic and cerebellar agenesis syndrome. Also called: PANCREATIC AND CEREBELLAR AGENESIS. Identifiers: Orphanet 65288, MedGen C1836780, MONDO:0012192, OMIM 609069.
Pancreatic agenesis 2 (PAGEN2). Also called: PANCREATIC HYPOPLASIA, CONGENITAL 2. Identifiers: Orphanet 2805, MedGen C4014737, MONDO:0014406, OMIM 615935.

Allele frequency attached by ClinVar (database versions not stated): gnomAD 0.00001; TOPMed 0.00001; gnomAD exomes 0.00002.

Submissions (2):

Ambry Genetics
Classification: Uncertain significance for Inborn genetic diseases. Last evaluated: 2023-06-29. Review status: criteria provided, single submitter. Criteria: Ambry Variant Classification Scheme 2023. Collection method: clinical testing. Allele origin: germline.

Juno Genomics, Hangzhou Juno Genomics, Inc
Classification: Uncertain significance for Pancreatic agenesis 2; Permanent neonatal diabetes mellitus-pancreatic and cerebellar agenesis syndrome. Review status: criteria provided, single submitter. Criteria: ACMG Guidelines, 2015. Collection method: clinical testing. Allele origin: germline.
Comment: Absent from controls (or at extremely low frequency if recessive) in Genome Aggregation Database.;Multiple lines of computational evidence support a deleterious effect on the gene or gene product.